The following is an entry in ClinVar:

ClinVar aggregate classification (germline): Uncertain significance. Review status: criteria provided, multiple submitters, no conflicts (2 of 4 stars). 2 submissions from 2 submitters: Uncertain significance (2). Last evaluated 2020-10-12.

Allele frequency attached by ClinVar (database versions not stated): gnomAD 0.00001; gnomAD exomes 0.00001 and 0.00003; TOPMed 0.00001; ExAC 0.00007.
gnomAD v4.1: 17 of 1,610,516 alleles (0.0011%); highest among the groups gnomAD compares: Admixed American, 0.0017%; no homozygotes.

Submissions (2):

GeneDx
Classification: Uncertain significance. Last evaluated: 2020-10-12. Review status: criteria provided, single submitter. Criteria: GeneDx Variant Classification Process June 2021. Collection method: clinical testing. Allele origin: germline. Affected: yes.
Comment: In silico analysis supports that this missense variant has a deleterious effect on protein structure/function; Has not been previously published as pathogenic or benign to our knowledge

Blueprint Genetics
Classification: Uncertain significance. Last evaluated: 2019-05-14. Review status: criteria provided, single submitter. Criteria: ACMG Guidelines, 2015. Collection method: clinical testing. Allele origin: germline.

NM_001009944.3(PKD1):c.4421A>G (p.Asn1474Ser)

Gene: PKD1 (polycystin 1, transient receptor potential channel interacting; minus strand). Cytogenetic location: 16p13.3.
Variant type: single nucleotide variant.
Coding change: c.4421A>G on transcript NM_001009944.3 (MANE Select); coding-DNA position 4421, A replaced by G.
Protein change: p.Asn1474Ser; replaces asparagine 1474 with serine.
Molecular consequence: missense variant.
Genome position (GRCh38, 1-based): chr16:2,110,746, T>C on the plus strand (A>G on the coding strand, the complement: PKD1 is on the minus strand). VCF-style: chr16-2110746-T-C. GRCh37 (hg19) VCF-style: chr16-2160747-T-C.
Other names: c.4421A>G, p.Asn1474Ser (NM_000296.4); short protein forms N1474S.
Identifiers: ClinVar variation 1314558 (VCV001314558.3), dbSNP rs750149483, ClinGen allele CA7832381.
Genomic context (GRCh38, chr16:2,110,746, plus strand): 5'-CGCCCACGGCCCACAGCAGAGAACAGGTACGGCTGCTGCAGCTCCAGCCCAAGGGAGCCA[T>C]TGACCTTGATGCTGGTGACCAGCACGGGCTCCTGCACCTCCACCAGGGCTGAGTCATTGG-3'
Protein context (NP_001009944.3, residues 1464-1484): EPVLVTSIKV[Asn1474Ser]GSLGLELQQP